The following is an entry in ClinVar:

NM_002641.4(PIGA):c.272A>G (p.Tyr91Cys)

Gene: PIGA (phosphatidylinositol glycan anchor biosynthesis class A; minus strand). Cytogenetic location: Xp22.2.
Variant type: single nucleotide variant.
Coding change: c.272A>G on transcript NM_002641.4 (MANE Select); coding-DNA position 272, A replaced by G.
Protein change: p.Tyr91Cys; replaces tyrosine 91 with cysteine.
Molecular consequence: missense variant. On other transcripts: non-coding transcript variant (1), intron variant (1).
Genome position (GRCh38, 1-based): chrX:15,331,659, T>C on the plus strand (A>G on the coding strand, the complement: PIGA is on the minus strand). VCF-style: chrX-15331659-T-C. GRCh37 (hg19) VCF-style: chrX-15349781-T-C.
Other names: c.13+3842A>G (NM_020473.3); short protein forms Y91C.
Identifiers: ClinVar variation 2050896 (VCV002050896.4), dbSNP rs2519331808, ClinGen allele CA412340810.

ClinVar aggregate classification (germline): Uncertain significance (1 of 4 stars; one submission).

Conditions:
Multiple congenital anomalies-hypotonia-seizures syndrome 2 (MCAHS2). Also called: GLYCOSYLPHOSPHATIDYLINOSITOL BIOSYNTHESIS DEFECT 4; EPILEPTIC ENCEPHALOPATHY, EARLY INFANTILE, 20. Identifiers: Orphanet 300496, MedGen C3275508, MONDO:0010466, OMIM 300868.

Submission:

Labcorp Genetics (formerly Invitae), Labcorp
Classification: Uncertain significance for Multiple congenital anomalies-hypotonia-seizures syndrome 2. Last evaluated: 2021-12-21. Review status: criteria provided, single submitter. Criteria: Invitae Variant Classification Sherloc (09022015). Collection method: clinical testing. Allele origin: germline.
Comment: In summary, the available evidence is currently insufficient to determine the role of this variant in disease. Therefore, it has been classified as a Variant of Uncertain Significance. Algorithms developed to predict the effect of missense changes on protein structure and function are either unavailable or do not agree on the potential impact of this missense change (SIFT: "Deleterious"; PolyPhen-2: "Probably Damaging"; Align-GVGD: "Class C0"). This variant has not been reported in the literature in individuals affected with PIGA-related conditions. This variant is not present in population databases (gnomAD no frequency). This sequence change replaces tyrosine, which is neutral and polar, with cysteine, which is neutral and slightly polar, at codon 91 of the PIGA protein (p.Tyr91Cys).